The following is an entry in ClinVar:

ClinVar aggregate classification (germline): Uncertain significance. Review status: criteria provided, multiple submitters, no conflicts (2 of 4 stars). 3 submissions from 3 submitters: Uncertain significance (3). Last evaluated 2025-10-21.

Conditions:
Cardiovascular phenotype. Identifiers: MedGen CN230736.
Brugada syndrome 8 (BRGDA8). Identifiers: Orphanet 130, MedGen C2751083, MONDO:0013148, OMIM 613123.

Allele frequency attached by ClinVar (database versions not stated): gnomAD exomes 0.00001 and 0.00002; TOPMed 0.00002; gnomAD 0.00003; ExAC 0.00004.
gnomAD v4.1: 21 of 1,520,892 alleles (0.0014%); highest among the groups gnomAD compares: Admixed American, 0.0063%; no homozygotes.

Submissions (3):

Labcorp Genetics (formerly Invitae), Labcorp
Classification: Uncertain significance for Brugada syndrome 8. Last evaluated: 2025-10-21. Review status: criteria provided, single submitter. Criteria: Invitae Variant Classification Sherloc (09022015). Collection method: clinical testing. Allele origin: germline.
Comment: This sequence change replaces glycine, which is neutral and non-polar, with arginine, which is basic and polar, at codon 947 of the HCN4 protein (p.Gly947Arg). The frequency data for this variant in the population databases is considered unreliable, as metrics indicate poor data quality at this position in the gnomAD database. This missense change has been observed in individual(s) with dilated cardiomyopathy and cardiomegaly (PMID: 33587123, 37432431). ClinVar contains an entry for this variant (Variation ID: 518719). Invitae Evidence Modeling of protein sequence and biophysical properties (such as structural, functional, and spatial information, amino acid conservation, physicochemical variation, residue mobility, and thermodynamic stability) indicates that this missense variant is not expected to disrupt HCN4 protein function with a negative predictive value of 95%. In summary, the available evidence is currently insufficient to determine the role of this variant in disease. Therefore, it has been classified as a Variant of Uncertain Significance.

Ambry Genetics
Classification: Uncertain significance for Cardiovascular phenotype. Last evaluated: 2025-06-23. Review status: criteria provided, single submitter. Criteria: Ambry Variant Classification Scheme 2023. Collection method: clinical testing. Allele origin: germline.
Comment: The p.G947R variant (also known as c.2839G>A), located in coding exon 8 of the HCN4 gene, results from a G to A substitution at nucleotide position 2839. The glycine at codon 947 is replaced by arginine, an amino acid with dissimilar properties. This variant co-occurred with a de novo variant in the NKX2-5 gene in a case with dilated cardiomyopathy, cardiomegaly, and non-cardiac anomalies (Maron JL et al. JAMA Pediatr, 2021 05;175:e205906). This amino acid position is not well conserved in available vertebrate species, and arginine is the reference amino acid in other vertebrate species. In addition, the in silico prediction for this alteration is inconclusive. Since supporting evidence is limited at this time, the clinical significance of this alteration remains unclear.

GeneDx
Classification: Uncertain significance. Last evaluated: 2020-09-28. Review status: criteria provided, single submitter. Criteria: GeneDx Variant Classification Process June 2021. Collection method: clinical testing. Allele origin: germline. Affected: yes.
Comment: Has not been previously published as pathogenic or benign to our knowledge; Reported in ClinVar as a variant of uncertain significance (ClinVar Variant ID#518719; Landrum et al., 2016); In silico analysis, which includes protein predictors and evolutionary conservation, supports that this variant does not alter protein structure/function; This variant is associated with the following publications: (PMID: 33587123)

Literature cited by the submitters: PubMed 33587123 (cited by Labcorp Genetics (formerly Invitae), Labcorp and Ambry Genetics); PubMed 37432431 (cited by Labcorp Genetics (formerly Invitae), Labcorp).

NM_005477.3(HCN4):c.2839G>A (p.Gly947Arg)

Gene: HCN4 (hyperpolarization activated cyclic nucleotide gated potassium channel 4; minus strand). Cytogenetic location: 15q24.1.
Variant type: single nucleotide variant.
Coding change: c.2839G>A on transcript NM_005477.3 (MANE Select); coding-DNA position 2839, G replaced by A.
Protein change: p.Gly947Arg; replaces glycine 947 with arginine.
Molecular consequence: missense variant.
Genome position (GRCh38, 1-based): chr15:73,323,254, C>T on the plus strand (G>A on the coding strand, the complement: HCN4 is on the minus strand). VCF-style: chr15-73323254-C-T. GRCh37 (hg19) VCF-style: chr15-73615595-C-T.
Other names: short protein forms G947R.
Identifiers: ClinVar variation 518719 (VCV000518719.13), dbSNP rs753524680, ClinGen allele CA7648942.